The following is an entry in ClinVar:

ClinVar aggregate classification (germline): Pathogenic. Review status: criteria provided, multiple submitters, no conflicts (2 of 4 stars). 2 submissions from 2 submitters: Pathogenic (2). Last evaluated 2025-06-27.

Conditions:
Cystic fibrosis (CF). Also called: MUCOVISCIDOSIS. Identifiers: Orphanet 586, MedGen C0010674, MONDO:0009061, OMIM 219700. Disease mechanism: loss of function.

Submissions (2):

Women's Health and Genetics/Laboratory Corporation of America, LabCorp
Classification: Pathogenic for Cystic fibrosis. Last evaluated: 2025-06-27. Review status: criteria provided, single submitter. Criteria: LabCorp Variant Classification Summary - May 2015. Collection method: clinical testing. Allele origin: germline.
Comment: Variant summary: CFTR c.933C>A (p.Phe311Leu) results in a non-conservative amino acid change in the encoded protein sequence. Algorithms developed to predict the effect of missense changes on protein structure and function all suggest that this variant is likely to be disruptive. The variant was absent in 251140 control chromosomes. c.933C>A has been observed in individual(s) affected with Cystic Fibrosis (McCague_2019). These data indicate that the variant is likely to be associated with disease. A different variant resulting in the same amino acid consequence has been classified as pathogenic by our lab (c.933C>G), supporting the pathogenicity of this variant. The following publication has been ascertained in the context of this evaluation (PMID: 30888834). ClinVar contains an entry for this variant (Variation ID: 2871602). Based on the evidence outlined above, the variant was classified as pathogenic.

Labcorp Genetics (formerly Invitae), Labcorp
Classification: Pathogenic for Cystic fibrosis. Last evaluated: 2023-07-17. Review status: criteria provided, single submitter. Criteria: Invitae Variant Classification Sherloc (09022015). Collection method: clinical testing. Allele origin: germline.
Comment: For these reasons, this variant has been classified as Pathogenic. Experimental studies have shown that this missense change affects CFTR function (PMID: 29805046, 30046002). Advanced modeling of protein sequence and biophysical properties (such as structural, functional, and spatial information, amino acid conservation, physicochemical variation, residue mobility, and thermodynamic stability) performed at Invitae indicates that this missense variant is expected to disrupt CFTR protein function. This missense change has been observed in individuals with cystic fibrosis (PMID: 1284639, 7539342, 19459534). This variant is not present in population databases (gnomAD no frequency). This sequence change replaces phenylalanine, which is neutral and non-polar, with leucine, which is neutral and non-polar, at codon 311 of the CFTR protein (p.Phe311Leu).

Literature cited by the submitters: PubMed 30888834 (cited by Women's Health and Genetics/Laboratory Corporation of America, LabCorp); PubMed 29805046 (cited by Labcorp Genetics (formerly Invitae), Labcorp); PubMed 30046002 (cited by Labcorp Genetics (formerly Invitae), Labcorp); PubMed 1284639 (cited by Labcorp Genetics (formerly Invitae), Labcorp); PubMed 7539342 (cited by Labcorp Genetics (formerly Invitae), Labcorp); PubMed 19459534 (cited by Labcorp Genetics (formerly Invitae), Labcorp).

NM_000492.4(CFTR):c.933C>A (p.Phe311Leu)

Gene: CFTR (CF transmembrane conductance regulator; plus strand). Cytogenetic location: 7q31.2.
Variant type: single nucleotide variant.
Coding change: c.933C>A on transcript NM_000492.4 (MANE Select); coding-DNA position 933, C replaced by A.
Protein change: p.Phe311Leu; replaces phenylalanine 311 with leucine.
Molecular consequence: missense variant.
Genome position (GRCh38, 1-based): chr7:117,540,163, C>A. VCF-style: chr7-117540163-C-A. GRCh37 (hg19) VCF-style: chr7-117180217-C-A.
Other names: short protein forms F311L.
Identifiers: ClinVar variation 2871602 (VCV002871602.4), dbSNP rs121909016, ClinGen allele CA368978326.